The following is an entry in ClinVar:

ClinVar aggregate classification (germline): Pathogenic. Review status: criteria provided, multiple submitters, no conflicts (2 of 4 stars). 2 submissions from 2 submitters: Pathogenic (2). Last evaluated 2025-10-18.

Conditions:
Tyrosinemia type II (TYRSN2). Also called: KERATOSIS PALMOPLANTARIS WITH CORNEAL DYSTROPHY; OREGON TYPE TYROSINEMIA; TAT DEFICIENCY; TYROSINE AMINOTRANSFERASE DEFICIENCY; TYROSINE TRANSAMINASE DEFICIENCY. Identifiers: Orphanet 28378, MedGen C0268487, MONDO:0010160, OMIM 276600.

Allele frequency attached by ClinVar (database versions not stated): gnomAD exomes below 0.00001.

Submissions (2):

Myriad Genetics, Inc.
Classification: Pathogenic for Tyrosinemia type II. Last evaluated: 2025-10-18. Review status: criteria provided, single submitter. Criteria: Myriad Autosomal Dominant, Autosomal Recessive and X-Linked Classification Criteria (2023). Collection method: clinical testing. Allele origin: unknown.
Comment: NM_000353.2(TAT):c.648delT(P217Hfs*29) is expected to be pathogenic in the context of tyrosinemia type II. This variant is predicted to lead to an abnormal or absent protein product due to the creation of a premature termination codon in TAT, a gene where loss-of-function variants are known to be pathogenic. Please note: this variant was assessed in the context of healthy population screening.

Labcorp Genetics (formerly Invitae), Labcorp
Classification: Pathogenic for Tyrosinemia type II. Last evaluated: 2023-05-23. Review status: criteria provided, single submitter. Criteria: Invitae Variant Classification Sherloc (09022015). Collection method: clinical testing. Allele origin: germline.
Comment: For these reasons, this variant has been classified as Pathogenic. This variant has not been reported in the literature in individuals affected with TAT-related conditions. This variant is not present in population databases (gnomAD no frequency). This sequence change creates a premature translational stop signal (p.Pro217Hisfs*29) in the TAT gene. It is expected to result in an absent or disrupted protein product. Loss-of-function variants in TAT are known to be pathogenic (PMID: 9544843).

Literature cited by the submitters: PubMed 9544843 (cited by Labcorp Genetics (formerly Invitae), Labcorp).

NM_000353.3(TAT):c.648del (p.Pro217fs)

Genes: TAT (tyrosine aminotransferase; minus strand), TAT-AS1 (TAT antisense RNA 1; plus strand), LOC111413029 (BRD4-independent group 4 enhancer GRCh37_chr16:71605697-71606896; plus strand). Cytogenetic location: 16q22.2.
Variant type: Deletion.
Coding change: c.648del on transcript NM_000353.3 (MANE Select); coding-DNA position 648, one base deleted (T; older notation c.648delT).
Protein change: p.Pro217fs; shifts the reading frame from proline 217.
Molecular consequence: frameshift variant. On other transcripts: non-coding transcript variant (2).
Genome position (GRCh38, 1-based): chr16:71,572,244, A deleted on the plus strand (T on the coding strand, the reverse complement: TAT is on the minus strand). VCF-style (leftmost placement, unchanged base first): chr16-71572243-GA-G. GRCh37 (hg19) VCF-style: chr16-71606146-GA-G.
Other names: short protein forms P217fs.
Identifiers: ClinVar variation 2899928 (VCV002899928.4), dbSNP rs2507666838, ClinGen allele CA2634151866.